The following is an entry in ClinVar:

NM_001377.3(DYNC2H1):c.7442G>A (p.Arg2481Gln)

Gene: DYNC2H1 (dynein cytoplasmic 2 heavy chain 1; plus strand). Cytogenetic location: 11q22.3.
Variant type: single nucleotide variant.
Coding change: c.7442G>A on transcript NM_001377.3 (MANE Select); coding-DNA position 7442, G replaced by A.
Protein change: p.Arg2481Gln; replaces arginine 2481 with glutamine.
Molecular consequence: missense variant.
Genome position (GRCh38, 1-based): chr11:103,191,521, G>A. VCF-style: chr11-103191521-G-A. GRCh37 (hg19) VCF-style: chr11-103062250-G-A.
Other names: c.7442G>A, p.Arg2481Gln (NM_001080463.2); c.7442G>A (NM_001080463.1); short protein forms R2481Q.
Identifiers: ClinVar variation 802716 (VCV000802716.6), dbSNP rs781326398, ClinGen allele CA6254240.
Genomic context (GRCh38, chr11:103,191,521, plus strand): 5'-AACATGATTATTATTTAAGGCAGTAGAAAGATTGTTTACTGTATTTTCTTTTTCAGGTGC[G>A]AGCCAAATTTACAGTTGATGATTATAGTCACTATTTCTTTACTCCTTGCATTCTTACCCA-3'
Protein context (NP_001368.2, residues 2471-2491): GSMVQVYEQV[Arg2481Gln]AKFTVDDYSH

ClinVar aggregate classification (germline): Conflicting classifications of pathogenicity. Review status: criteria provided, conflicting classifications (1 of 4 stars). 5 submissions from 5 submitters: Pathogenic (1); Uncertain significance (3). 1 of the submissions does not count toward it. Last evaluated 2024-11-04.

Conditions:
Jeune thoracic dystrophy. Also called: Jeune syndrome; Infantile thoracic dystrophy; Thoracic pelvic phalangeal dystrophy; Jeune's syndrome; Chondroectodermal dysplasia-like syndrome; Short-rib thoracic dysplasia. Identifiers: Orphanet 474, MedGen C0265275, MONDO:0018770.
Asphyxiating thoracic dystrophy 3. Also called: Saldino-Noonan Syndrome; SHORT-RIB THORACIC DYSPLASIA 3 WITH OR WITHOUT POLYDACTYLY; POLYDACTYLY WITH NEONATAL CHONDRODYSTROPHY, TYPE I; SHORT-RIB THORACIC DYSPLASIA 3/6 WITH POLYDACTYLY, DIGENIC; Short rib polydactyly syndrome 2B. Identifiers: Orphanet 474, Orphanet 93269, Orphanet 93270, Orphanet 93271, MedGen C0036069, MONDO:0013127, OMIM 613091.
DYNC2H1-related disorder. Also called: DYNC2H1-related condition; DYNC2H1-related disorders. Identifiers: MedGen CN378770.

Allele frequency attached by ClinVar (database versions not stated): gnomAD exomes 0.00002 and 0.00003; TOPMed 0.00002; gnomAD 0.00004 and 0.00005; ExAC 0.00005.
gnomAD v4.1: 32 of 1,601,412 alleles (0.002%); highest among the groups gnomAD compares: Admixed American, 0.012%; no homozygotes.

Submissions (5):

Labcorp Genetics (formerly Invitae), Labcorp
Classification: Uncertain significance for Jeune thoracic dystrophy. Last evaluated: 2024-11-04. Review status: criteria provided, single submitter. Criteria: Invitae Variant Classification Sherloc (09022015). Collection method: clinical testing. Allele origin: germline.
Comment: This sequence change replaces arginine, which is basic and polar, with glutamine, which is neutral and polar, at codon 2481 of the DYNC2H1 protein (p.Arg2481Gln). This variant is present in population databases (rs781326398, gnomAD 0.009%). This missense change has been observed in individual(s) with asphyxiating thoracic dystrophy (PMID: 23456818). In at least one individual the data is consistent with being in trans (on the opposite chromosome) from a pathogenic variant. It has also been observed to segregate with disease in related individuals. ClinVar contains an entry for this variant (Variation ID: 802716). Invitae Evidence Modeling of protein sequence and biophysical properties (such as structural, functional, and spatial information, amino acid conservation, physicochemical variation, residue mobility, and thermodynamic stability) has been performed for this missense variant. However, the output from this modeling did not meet the statistical confidence thresholds required to predict the impact of this variant on DYNC2H1 protein function. In summary, the available evidence is currently insufficient to determine the role of this variant in disease. Therefore, it has been classified as a Variant of Uncertain Significance.

PreventionGenetics, part of Exact Sciences
Classification: Uncertain significance for DYNC2H1-related condition. Last evaluated: 2023-05-03. Review status: criteria provided, single submitter. Criteria: ACMG Guidelines, 2015. Collection method: clinical testing. Allele origin: germline.
Comment: The DYNC2H1 c.7442G>A variant is predicted to result in the amino acid substitution p.Arg2481Gln. This variant was reported, in the suspected compound heterozygous state with a nonsense variant in DYNC2H1, in an individual with asphyxiating thoracic dystrophy (Schmidts et al. 2013. PubMed ID: 23456818). This variant is reported in 0.012% of alleles in individuals of Latino descent in gnomAD and has conflicting interpretations regarding its pathogenicity in ClinVar, ranging from pathogenic to uncertain significance. Although we suspect that this variant may be pathogenic, at this time, the clinical significance of this variant is uncertain due to insufficient functional and genetic evidence.

Johns Hopkins Genomics, Johns Hopkins University
Classification: Uncertain significance for Asphyxiating thoracic dystrophy 3. Last evaluated: 2022-04-29. Review status: criteria provided, single submitter. Criteria: ACMG Guidelines, 2015. Collection method: clinical testing. Allele origin: germline.

Mendelics
Classification: Pathogenic for Asphyxiating thoracic dystrophy 3. Last evaluated: 2019-05-28. Review status: criteria provided, single submitter. Criteria: Mendelics Assertion Criteria 2017. Collection method: clinical testing. Allele origin: unknown.

Joint Genome Diagnostic Labs from Nijmegen and Maastricht, Radboudumc and MUMC+
Classification: Pathogenic for Asphyxiating thoracic dystrophy 3. Review status: no assertion criteria provided. Collection method: research. Allele origin: inherited. Affected: yes. Not counted in ClinVar's aggregate classification.

Literature cited by the submitters: PubMed 23456818 (cited by Labcorp Genetics (formerly Invitae), Labcorp and Johns Hopkins Genomics, Johns Hopkins University).